The following is an entry in ClinVar:

NM_017780.4(CHD7):c.160C>G (p.Leu54Val)

Gene: CHD7 (chromodomain helicase DNA binding protein 7; plus strand). Cytogenetic location: 8q12.2.
Variant type: single nucleotide variant.
Coding change: c.160C>G on transcript NM_017780.4 (MANE Select); coding-DNA position 160, C replaced by G.
Protein change: p.Leu54Val; replaces leucine 54 with valine.
Molecular consequence: missense variant.
Genome position (GRCh38, 1-based): chr8:60,741,592, C>G. VCF-style: chr8-60741592-C-G. GRCh37 (hg19) VCF-style: chr8-61654151-C-G.
Other names: c.160C>G, p.Leu54Val (NM_001316690.1); short protein forms L54V.
Identifiers: ClinVar variation 2121370 (VCV002121370.4), dbSNP rs2487259044, ClinGen allele CA371296072.

ClinVar aggregate classification (germline): Uncertain significance (1 of 4 stars; one submission).

Conditions:
CHARGE syndrome (CHARGE). Also called: Hittner Hirsch Kreh syndrome; CHARGE ASSOCIATION--COLOBOMA, HEART ANOMALY, CHOANAL ATRESIA, RETARDATION, GENITAL AND EAR ANOMALIES; Coloboma, heart anomaly, choanal atresia, retardation, genital and ear anomalies; CHARGE association; Hall-Hittner syndrome. Identifiers: Orphanet 138, MedGen C0265354, MONDO:0008965.

gnomAD v4.1: 5 of 1,613,724 alleles (0.00031%); highest among the groups gnomAD compares: Non-Finnish European, 0.00042%; no homozygotes.

Submission:

Labcorp Genetics (formerly Invitae), Labcorp
Classification: Uncertain significance for CHARGE syndrome. Last evaluated: 2022-04-04. Review status: criteria provided, single submitter. Criteria: Invitae Variant Classification Sherloc (09022015). Collection method: clinical testing. Allele origin: germline.
Comment: In summary, the available evidence is currently insufficient to determine the role of this variant in disease. Therefore, it has been classified as a Variant of Uncertain Significance. Advanced modeling of protein sequence and biophysical properties (such as structural, functional, and spatial information, amino acid conservation, physicochemical variation, residue mobility, and thermodynamic stability) performed at Invitae indicates that this missense variant is not expected to disrupt CHD7 protein function. This variant has not been reported in the literature in individuals affected with CHD7-related conditions. This variant is not present in population databases (gnomAD no frequency). This sequence change replaces leucine, which is neutral and non-polar, with valine, which is neutral and non-polar, at codon 54 of the CHD7 protein (p.Leu54Val).